The following is an entry in ClinVar:

NM_001111.5(ADAR):c.97G>C (p.Gly33Arg)

Gene: ADAR (adenosine deaminase RNA specific; minus strand). Cytogenetic location: 1q21.3.
Variant type: single nucleotide variant.
Coding change: c.97G>C on transcript NM_001111.5 (MANE Select); coding-DNA position 97, G replaced by C.
Protein change: p.Gly33Arg; replaces glycine 33 with arginine.
Molecular consequence: missense variant. On other transcripts: 5 prime UTR variant (6).
Genome position (GRCh38, 1-based): chr1:154,602,545, C>G on the plus strand (G>C on the coding strand, the complement: ADAR is on the minus strand). VCF-style: chr1-154602545-C-G. GRCh37 (hg19) VCF-style: chr1-154575021-C-G.
Other names: c.-789G>C (NM_001025107.3, NM_001193495.2, NM_001365048.1); c.124G>C, p.Gly42Arg (NM_001365045.1); c.-653G>C (NM_001365046.1, NM_001365047.1, NM_001365049.1); c.97G>C, p.Gly33Arg (NM_015840.4, NM_015841.4); short protein forms G33R, G42R.
Identifiers: ClinVar variation 3756318 (VCV003756318.2).

ClinVar aggregate classification (germline): Uncertain significance (1 of 4 stars; one submission).

Conditions:
Symmetrical dyschromatosis of extremities (DSH). Also called: DYSCHROMATOSIS SYMMETRICA HEREDITARIA 1; RETICULATE ACROPIGMENTATION OF DOHI; SYMMETRIC DYSCHROMATOSIS OF THE EXTREMITIES; Dyschromatosis symmetrica hereditaria. Identifiers: Orphanet 41, MedGen C0406775, MONDO:0007483, OMIM 127400.
Aicardi-Goutieres syndrome 6 (AGS6). Identifiers: Orphanet 51, MedGen C3539013, MONDO:0014007, OMIM 615010.

Submission:

Labcorp Genetics (formerly Invitae), Labcorp
Classification: Uncertain significance for Aicardi-Goutieres syndrome 6; Symmetrical dyschromatosis of extremities. Last evaluated: 2024-05-13. Review status: criteria provided, single submitter. Criteria: Invitae Variant Classification Sherloc (09022015). Collection method: clinical testing. Allele origin: germline.
Comment: This sequence change replaces glycine, which is neutral and non-polar, with arginine, which is basic and polar, at codon 33 of the ADAR protein (p.Gly33Arg). This variant is not present in population databases (gnomAD no frequency). This variant has not been reported in the literature in individuals affected with ADAR-related conditions. Algorithms developed to predict the effect of missense changes on protein structure and function output the following: SIFT: "Not Available"; PolyPhen-2: "Possibly Damaging"; Align-GVGD: "Not Available". The arginine amino acid residue is found in multiple mammalian species, which suggests that this missense change does not adversely affect protein function. In summary, the available evidence is currently insufficient to determine the role of this variant in disease. Therefore, it has been classified as a Variant of Uncertain Significance.